The following is an entry in ClinVar:

NM_001159387.2(B4GALNT2):c.1216T>C (p.Cys406Arg)

Gene: B4GALNT2 (beta-1,4-N-acetyl-galactosaminyltransferase 2 (SID blood group); plus strand). Cytogenetic location: 17q21.32.
Variant type: single nucleotide variant.
Coding change: c.1216T>C on transcript NM_001159387.2 (MANE Select); coding-DNA position 1216, T replaced by C.
Protein change: p.Cys406Arg; replaces cysteine 406 with arginine.
Molecular consequence: missense variant.
Genome position (GRCh38, 1-based): chr17:49,168,801, T>C. VCF-style: chr17-49168801-T-C. GRCh37 (hg19) VCF-style: chr17-47246163-T-C.
Other names: B4GALNT2, CYS466ARG (rs7224888); C446R; c.1396T>C, p.Cys466Arg (NM_153446.3); c.1138T>C, p.Cys380Arg (NM_001159388.2); short protein forms C380R, C406R, C466R.
Identifiers: ClinVar variation 1286620 (VCV001286620.3), dbSNP rs7224888, ClinGen allele CA8637056.

ClinVar aggregate classification (germline): Benign. Review status: criteria provided, multiple submitters, no conflicts (2 of 4 stars). 3 submissions from 3 submitters: Benign (2). 1 of the submissions does not count toward it. Last evaluated 2020-02-17.

Conditions:
BLOOD GROUP, SID SYSTEM (SID). Also called: SD(A) BLOOD GROUP ANTIGEN. Identifiers: MedGen C5574996, OMIM 615018.

Allele frequency attached by ClinVar (database versions not stated): gnomAD exomes 0.10919 and 0.11660; ExAC 0.11848; TOPMed 0.12164; gnomAD 0.12804 and 0.12829; ESP Exome Variant Server 0.13032; 1000 Genomes Project 0.13199; 1000 Genomes Project 30x 0.13398.
gnomAD v4.1: 178,944 of 1,613,868 alleles (11%); highest among the groups gnomAD compares: South Asian, 19%; 11,094 homozygotes.

Submissions (3):

GeneDx
Classification: Benign. Last evaluated: 2020-02-17. Review status: criteria provided, single submitter. Criteria: GeneDx Variant Classification Process June 2021. Collection method: clinical testing. Allele origin: germline. Affected: yes.
Comment: This variant is associated with the following publications: (PMID: 31367682)

Breakthrough Genomics
Classification: Benign. Review status: criteria provided, single submitter. Criteria: ACMG Guidelines, 2015. Collection method: not provided. Allele origin: germline. Inheritance: Unknown mechanism. Affected: yes.

OMIM
Classification: Affects for SID BLOOD GROUP ANTIGEN, Sd(a-) PHENOTYPE. Last evaluated: 2021-12-11. Review status: no assertion criteria provided. Collection method: literature only. Allele origin: germline. Not counted in ClinVar's aggregate classification.

Literature cited by the submitters: PubMed 31367682 (cited by OMIM).